The following is an entry in ClinVar:

NM_017934.7(PHIP):c.394A>G (p.Arg132Gly)

Gene: PHIP (PHIP subunit of CUL4-Ring ligase complex; minus strand). Cytogenetic location: 6q14.1.
Variant type: single nucleotide variant.
Coding change: c.394A>G on transcript NM_017934.7 (MANE Select); coding-DNA position 394, A replaced by G.
Protein change: p.Arg132Gly; replaces arginine 132 with glycine.
Molecular consequence: missense variant.
Genome position (GRCh38, 1-based): chr6:79,060,523, T>C on the plus strand (A>G on the coding strand, the complement: PHIP is on the minus strand). VCF-style: chr6-79060523-T-C. GRCh37 (hg19) VCF-style: chr6-79770240-T-C.
Other names: short protein forms R132G.
Identifiers: ClinVar variation 1804361 (VCV001804361.2), dbSNP rs2482349351, ClinGen allele CA364651038.

ClinVar aggregate classification (germline): Uncertain significance (1 of 4 stars; one submission).

Submission:

GeneDx
Classification: Uncertain significance. Last evaluated: 2023-10-26. Review status: criteria provided, single submitter. Criteria: GeneDx Variant Classification Process June 2021. Collection method: clinical testing. Allele origin: germline.
Comment: Not observed at significant frequency in large population cohorts (gnomAD); In silico analysis supports that this missense variant has a deleterious effect on protein structure/function; Has not been previously published as pathogenic or benign to our knowledge